The following is an entry in ClinVar:

ClinVar aggregate classification (germline): Likely benign (1 of 4 stars; one submission).

Allele frequency attached by ClinVar (database versions not stated): gnomAD 0.00201; TOPMed 0.00221; 1000 Genomes Project 30x 0.00344; 1000 Genomes Project 0.00359; gnomAD exomes 0.00369.

Submission:

CeGaT Center for Human Genetics Tuebingen
Classification: Likely benign. Last evaluated: 2022-12-01. Review status: criteria provided, single submitter. Criteria: CeGaT Center For Human Genetics Tuebingen Variant Classification Criteria Version 2. Collection method: clinical testing. Allele origin: germline. Affected: yes. Observed: 2 variant alleles.
Comment: VPS13B: BS1

NM_152564.5(VPS13B):c.*264_*265dup

Gene: VPS13B (vacuolar protein sorting 13 homolog B; plus strand). Cytogenetic location: 8q22.2.
Variant type: Duplication.
Coding change: c.*264_*265dup on transcript NM_152564.5 (MANE Select); 264 bases downstream of the stop codon through 265 bases downstream of the stop codon, 2 bases duplicated (TA; older notation c.*264_*265dupTA).
Molecular consequence: 3 prime UTR variant.
Genome position (GRCh38, 1-based): chr8:99,875,930-99,875,931, TA duplicated. VCF-style (leftmost placement, unchanged base first): chr8-99875929-T-TTA. GRCh37 (hg19) VCF-style: chr8-100888157-T-TTA.
Other names: c.*264_*265dup (NM_017890.5).
Identifiers: ClinVar variation 2658709 (VCV002658709.24), dbSNP rs542743906, ClinGen allele CA182335824.